The following is an entry in ClinVar:

NM_004260.4(RECQL4):c.1618C>T (p.Gln540Ter)

Gene: RECQL4 (RecQ like helicase 4; minus strand). Cytogenetic location: 8q24.3.
Variant type: single nucleotide variant.
Coding change: c.1618C>T on transcript NM_004260.4 (MANE Select); coding-DNA position 1618, C replaced by T.
Protein change: p.Gln540Ter; replaces glutamine 540 with a stop codon.
Molecular consequence: nonsense. On other transcripts: non-coding transcript variant (3).
Genome position (GRCh38, 1-based): chr8:144,514,938, G>A on the plus strand (C>T on the coding strand, the complement: RECQL4 is on the minus strand). VCF-style: chr8-144514938-G-A. GRCh37 (hg19) VCF-style: chr8-145740322-G-A.
Other names: c.1522C>T, p.Gln508Ter (NM_001413017.1, NM_001413020.1); c.1618C>T, p.Gln540Ter (NM_001413018.1, NM_001413019.1, NM_001413033.1 and 1 more transcripts); c.547C>T, p.Gln183Ter (NM_001413021.1, NM_001413022.1, NM_001413023.1 and 7 more transcripts); c.1489C>T, p.Gln497Ter (NM_001413025.1); c.481C>T, p.Gln161Ter (NM_001413027.1, NM_001413030.1, NM_001413031.1 and 2 more transcripts); c.1267C>T, p.Gln423Ter (NM_001413029.1); c.1588C>T, p.Gln530Ter (NM_001413039.1); c.517C>T, p.Gln173Ter (NM_001413042.1); and 1 more; short protein forms Q540*, Q183*, Q508*, Q530*, Q173*, Q161*, Q423*, Q497*.
Identifiers: ClinVar variation 2997439 (VCV002997439.3), dbSNP rs2130702553, ClinGen allele CA372683391.

ClinVar aggregate classification (germline): Pathogenic (1 of 4 stars; one submission).

Conditions:
Baller-Gerold syndrome (BGS). Also called: CRANIOSYNOSTOSIS WITH RADIAL DEFECTS. Identifiers: Orphanet 1225, MedGen C0265308, MONDO:0009039, OMIM 218600.

Allele frequency attached by ClinVar (database versions not stated): gnomAD exomes below 0.00001.
gnomAD v4.1: 2 of 1,611,150 alleles (0.00012%); highest among the groups gnomAD compares: Non-Finnish European, 0.00017%; no homozygotes.

Submission:

Labcorp Genetics (formerly Invitae), Labcorp
Classification: Pathogenic for Baller-Gerold syndrome. Last evaluated: 2023-10-16. Review status: criteria provided, single submitter. Criteria: Invitae Variant Classification Sherloc (09022015). Collection method: clinical testing. Allele origin: germline.
Comment: This sequence change creates a premature translational stop signal (p.Gln540*) in the RECQL4 gene. It is expected to result in an absent or disrupted protein product. Loss-of-function variants in RECQL4 are known to be pathogenic (PMID: 12734318, 12952869). This variant is not present in population databases (gnomAD no frequency). This variant has not been reported in the literature in individuals affected with RECQL4-related conditions. For these reasons, this variant has been classified as Pathogenic.

Literature cited by the submitters: PubMed 12734318; PubMed 12952869.